The following is an entry in ClinVar:

NM_001377265.1(MAPT):c.2091+11T>G

Gene: MAPT (microtubule associated protein tau). Cytogenetic location: 17q21.31.
Variant type: single nucleotide variant.
Coding change: c.2091+11T>G on transcript NM_001377265.1 (MANE Select); 11 bases into the intron after coding-DNA position 2091, T replaced by G.
Molecular consequence: intron variant.
Genome position (GRCh38, 1-based): chr17:46,010,413, T>G. VCF-style: chr17-46010413-T-G. GRCh37 (hg19) VCF-style: chr17-44087779-T-G.
Other names: c.649-3830T>G (NM_001377268.1, NM_016841.5); c.1920+11T>G (NM_001123066.4); c.1866+11T>G (NM_016835.5); c.915+11T>G (NM_005910.6); c.823-3830T>G (NM_001203252.2); c.1801-3830T>G (NM_001377266.1); c.828+11T>G (NM_001123067.4); c.736-3830T>G (NM_001203251.2, NM_001377267.1); and 1 more.
Identifiers: ClinVar variation 3031050 (VCV003031050.4), dbSNP rs63751394, ClinGen allele CA2740093766.

ClinVar aggregate classification (germline): Uncertain significance. Review status: criteria provided, single submitter (1 of 4 stars). 2 submissions from 2 submitters: Uncertain significance (1). 1 of the submissions does not count toward it. Last evaluated 2024-10-28.

Conditions:
Frontotemporal dementia (FTD1). Also called: Frontotemporal Dementia with Parkinsonism-17 (FTDP-17); FRONTOTEMPORAL DEMENTIA WITH PARKINSONISM; FRONTOTEMPORAL LOBE DEMENTIA; WILHELMSEN-LYNCH DISEASE; Dementia, frontotemporal, with or without parkinsonism; MULTIPLE SYSTEM TAUOPATHY WITH PRESENILE DEMENTIA. Identifiers: Orphanet 282, MedGen C0338451, MONDO:0017276, OMIM 600274, HP:0002145.
MAPT-related disorder. Also called: MAPT-Related Disorders; MAPT-related condition.

Submissions (2):

Labcorp Genetics (formerly Invitae), Labcorp
Classification: Uncertain significance for Frontotemporal dementia. Last evaluated: 2024-10-28. Review status: criteria provided, single submitter. Criteria: Invitae Variant Classification Sherloc (09022015). Collection method: clinical testing. Allele origin: germline.
Comment: This sequence change falls in intron 9 of the MAPT gene. It does not directly change the encoded amino acid sequence of the MAPT protein. This variant is not present in population databases (gnomAD no frequency). This variant has been observed in individual(s) with clinical features of autosomal dominant frontotemporal dementia (internal data). Algorithms developed to predict the effect of sequence changes on RNA splicing suggest that this variant is not likely to affect RNA splicing. In summary, the available evidence is currently insufficient to determine the role of this variant in disease. Therefore, it has been classified as a Variant of Uncertain Significance.

PreventionGenetics, part of Exact Sciences
Classification: Likely benign for MAPT-related condition. Last evaluated: 2022-06-08. Review status: no assertion criteria provided. Collection method: clinical testing. Allele origin: germline. Not counted in ClinVar's aggregate classification.
Comment: This variant is classified as likely benign based on ACMG/AMP sequence variant interpretation guidelines (Richards et al. 2015 PMID: 25741868, with internal and published modifications).